The following is an entry in ClinVar:

NM_001737.5(C9):c.440T>C (p.Val147Ala)

Gene: C9 (complement C9; minus strand). Cytogenetic location: 5p13.1.
Variant type: single nucleotide variant.
Coding change: c.440T>C on transcript NM_001737.5 (MANE Select); coding-DNA position 440, T replaced by C.
Protein change: p.Val147Ala; replaces valine 147 with alanine.
Molecular consequence: missense variant.
Genome position (GRCh38, 1-based): chr5:39,341,182, A>G on the plus strand (T>C on the coding strand, the complement: C9 is on the minus strand). VCF-style: chr5-39341182-A-G. GRCh37 (hg19) VCF-style: chr5-39341284-A-G.
Other names: short protein forms V147A.
Identifiers: ClinVar variation 2194423 (VCV002194423.4), dbSNP rs1395838212, ClinGen allele CA359562827.

ClinVar aggregate classification (germline): Uncertain significance (1 of 4 stars; one submission).

Allele frequency attached by ClinVar (database versions not stated): gnomAD exomes below 0.00001; gnomAD 0.00001; TOPMed 0.00001.
gnomAD v4.1: 6 of 1,614,088 alleles (0.00037%); highest among the groups gnomAD compares: East Asian, 0.0067%; no homozygotes.

Submission:

Labcorp Genetics (formerly Invitae), Labcorp
Classification: Uncertain significance. Last evaluated: 2025-05-27. Review status: criteria provided, single submitter. Criteria: Invitae Variant Classification Sherloc (09022015). Collection method: clinical testing. Allele origin: germline.
Comment: This sequence change replaces valine, which is neutral and non-polar, with alanine, which is neutral and non-polar, at codon 147 of the C9 protein (p.Val147Ala). This variant is present in population databases (no rsID available, gnomAD 0.01%). This variant has not been reported in the literature in individuals affected with C9-related conditions. ClinVar contains an entry for this variant (Variation ID: 2194423). Invitae Evidence Modeling of protein sequence and biophysical properties (such as structural, functional, and spatial information, amino acid conservation, physicochemical variation, residue mobility, and thermodynamic stability) indicates that this missense variant is not expected to disrupt C9 protein function with a negative predictive value of 80%. In summary, the available evidence is currently insufficient to determine the role of this variant in disease. Therefore, it has been classified as a Variant of Uncertain Significance.